The following is an entry in ClinVar:

ClinVar aggregate classification (germline): Uncertain significance (1 of 4 stars; one submission).

Conditions:
Ataxia-telangiectasia syndrome (AT). Also called: Ataxia-telangiectasia, complementation group E; Ataxia telangiectasia (A-T); LOUIS-BAR SYNDROME; Ataxia-telangiectasia, complementation group D; AT, COMPLEMENTATION GROUP C; Ataxia-telangiectasia. Identifiers: Orphanet 100, MedGen C0004135, MONDO:0008840, OMIM 208900.

Submission:

Labcorp Genetics (formerly Invitae), Labcorp
Classification: Uncertain significance for Ataxia-telangiectasia syndrome. Last evaluated: 2025-06-22. Review status: criteria provided, single submitter. Criteria: Invitae Variant Classification Sherloc (09022015). Collection method: clinical testing. Allele origin: germline.
Comment: This sequence change replaces histidine, which is basic and polar, with tyrosine, which is neutral and polar, at codon 290 of the ATM protein (p.His290Tyr). This variant is not present in population databases (gnomAD no frequency). This variant has not been reported in the literature in individuals affected with ATM-related conditions. ClinVar contains an entry for this variant (Variation ID: 836598). Invitae Evidence Modeling of protein sequence and biophysical properties (such as structural, functional, and spatial information, amino acid conservation, physicochemical variation, residue mobility, and thermodynamic stability) indicates that this missense variant is not expected to disrupt ATM protein function with a negative predictive value of 95%. In summary, the available evidence is currently insufficient to determine the role of this variant in disease. Therefore, it has been classified as a Variant of Uncertain Significance.

NM_000051.4(ATM):c.868C>T (p.His290Tyr)

Gene: ATM (ATM serine/threonine kinase; plus strand). Cytogenetic location: 11q22.3.
Variant type: single nucleotide variant.
Coding change: c.868C>T on transcript NM_000051.4 (MANE Select); coding-DNA position 868, C replaced by T.
Protein change: p.His290Tyr; replaces histidine 290 with tyrosine.
Molecular consequence: missense variant.
Genome position (GRCh38, 1-based): chr11:108,244,993, C>T. VCF-style: chr11-108244993-C-T. GRCh37 (hg19) VCF-style: chr11-108115720-C-T.
Other names: c.868C>T, p.His290Tyr (NM_001351834.2); short protein forms H290Y.
Identifiers: ClinVar variation 836598 (VCV000836598.9), dbSNP rs1591504685, ClinGen allele CA382529524.